The following is an entry in ClinVar:

NM_032634.4(PIGO):c.512-17C>T

Gene: PIGO (phosphatidylinositol glycan anchor biosynthesis class O; minus strand). Cytogenetic location: 9p13.3.
Variant type: single nucleotide variant.
Coding change: c.512-17C>T on transcript NM_032634.4 (MANE Select); 17 bases into the intron before coding-DNA position 512, C replaced by T.
Molecular consequence: intron variant.
Genome position (GRCh38, 1-based): chr9:35,094,376, G>A on the plus strand (C>T on the coding strand, the complement: PIGO is on the minus strand). VCF-style: chr9-35094376-G-A. GRCh37 (hg19) VCF-style: chr9-35094373-G-A.
Other names: p.?; c.512-17C>T (NM_152850.4, NM_001201484.2).
Identifiers: ClinVar variation 262100 (VCV000262100.12), dbSNP rs2240116, ClinGen allele CA5040914.

ClinVar aggregate classification (germline): Benign. Review status: criteria provided, multiple submitters, no conflicts (2 of 4 stars). 5 submissions from 5 submitters: Benign (5). Last evaluated 2026-02-03.

Conditions:
Hyperphosphatasia with impaired intellectual development syndrome 2. Also called: Hyperphosphatasia with intellectual disability syndrome 2; GLYCOSYLPHOSPHATIDYLINOSITOL BIOSYNTHESIS DEFECT 6. Identifiers: Orphanet 247262, MedGen C3553637, MONDO:0013882, OMIM 614749.

Allele frequency attached by ClinVar (database versions not stated): ESP Exome Variant Server 0.04867; TOPMed 0.07137; 1000 Genomes Project 30x 0.12149; 1000 Genomes Project 0.12620.
gnomAD v4.1: 95,418 of 1,594,534 alleles (6%); highest among the groups gnomAD compares: East Asian, 34%; 5,463 homozygotes.

Submissions (5):

Labcorp Genetics (formerly Invitae), Labcorp
Classification: Benign for Hyperphosphatasia with impaired intellectual development syndrome 2. Last evaluated: 2026-02-03. Review status: criteria provided, single submitter. Criteria: Invitae Variant Classification Sherloc (09022015). Collection method: clinical testing. Allele origin: germline.

Mayo Clinic Laboratories, Mayo Clinic
Classification: Benign. Last evaluated: 2019-11-27. Review status: criteria provided, single submitter. Criteria: ACMG Guidelines, 2015. Collection method: clinical testing. Allele origin: germline. Observed: 6 variant alleles.

GeneDx
Classification: Benign. Last evaluated: 2016-01-09. Review status: criteria provided, single submitter. Criteria: GeneDx Variant Classification (06012015). Collection method: clinical testing. Allele origin: germline. Affected: yes.
Comment: This variant is considered likely benign or benign based on one or more of the following criteria: it is a conservative change, it occurs at a poorly conserved position in the protein, it is predicted to be benign by multiple in silico algorithms, and/or has population frequency not consistent with disease.

Breakthrough Genomics
Classification: Benign. Review status: criteria provided, single submitter. Criteria: ACMG Guidelines, 2015. Collection method: not provided. Allele origin: germline. Inheritance: Autosomal recessive inheritance. Affected: yes.

PreventionGenetics, part of Exact Sciences
Classification: Benign. Review status: criteria provided, single submitter. Criteria: ACMG Guidelines, 2015. Collection method: clinical testing. Allele origin: germline.